The following is an entry in ClinVar:

NM_003489.4(NRIP1):c.1239T>C (p.Thr413=)

Gene: NRIP1 (nuclear receptor interacting protein 1; minus strand). Cytogenetic location: 21q11.2.
Variant type: single nucleotide variant.
Coding change: c.1239T>C on transcript NM_003489.4 (MANE Select); coding-DNA position 1239, T replaced by C.
Protein change: p.Thr413=; no amino-acid change (threonine 413 retained).
Molecular consequence: synonymous variant.
Genome position (GRCh38, 1-based): chr21:14,966,954, A>G on the plus strand (T>C on the coding strand, the complement: NRIP1 is on the minus strand). VCF-style: chr21-14966954-A-G. GRCh37 (hg19) VCF-style: chr21-16339275-A-G.
Other names: c.1239T>C (NM_003489.3).
Identifiers: ClinVar variation 2173633 (VCV002173633.6), dbSNP rs144297062, ClinGen allele CA9981370.

ClinVar aggregate classification (germline): Likely benign. Review status: criteria provided, single submitter (1 of 4 stars). 2 submissions from 2 submitters: Likely benign (1). 1 of the submissions does not count toward it. Last evaluated 2025-06-12.

Conditions:
NRIP1-related disorder. Also called: NRIP1-related condition.

Allele frequency attached by ClinVar (database versions not stated): gnomAD exomes 0.00002; ExAC 0.00009; ESP Exome Variant Server 0.00023; gnomAD 0.00027; 1000 Genomes Project 0.00040; TOPMed 0.00041; 1000 Genomes Project 30x 0.00047.
gnomAD v4.1: 77 of 1,614,184 alleles (0.0048%); highest among the groups gnomAD compares: African/African-American, 0.079%; 1 homozygote.

Submissions (2):

Labcorp Genetics (formerly Invitae), Labcorp
Classification: Likely benign. Last evaluated: 2025-06-12. Review status: criteria provided, single submitter. Criteria: Invitae Variant Classification Sherloc (09022015). Collection method: clinical testing. Allele origin: germline.

PreventionGenetics, part of Exact Sciences
Classification: Likely benign for NRIP1-related condition. Last evaluated: 2019-05-01. Review status: no assertion criteria provided. Collection method: clinical testing. Allele origin: germline. Not counted in ClinVar's aggregate classification.
Comment: This variant is classified as likely benign based on ACMG/AMP sequence variant interpretation guidelines (Richards et al. 2015 PMID: 25741868, with internal and published modifications).